The following is an entry in ClinVar:

ClinVar aggregate classification (germline): Likely benign (1 of 4 stars; one submission).

Allele frequency attached by ClinVar (database versions not stated): gnomAD 0.00571 and 0.00605; TOPMed 0.00620; 1000 Genomes Project 30x 0.00765; 1000 Genomes Project 0.00779.
gnomAD v4.1: 855 of 150,534 alleles (0.57%); highest among the groups gnomAD compares: African/African-American, 1.9%; 14 homozygotes.

Submission:

GeneDx
Classification: Likely benign. Last evaluated: 2018-06-19. Review status: criteria provided, single submitter. Criteria: GeneDx Variant Classification (06012015). Collection method: clinical testing. Allele origin: germline. Affected: yes.
Comment: This variant is considered likely benign or benign based on one or more of the following criteria: it is a conservative change, it occurs at a poorly conserved position in the protein, it is predicted to be benign by multiple in silico algorithms, and/or has population frequency not consistent with disease.

NM_001127222.2(CACNA1A):c.2173-271A>G

Gene: CACNA1A (calcium voltage-gated channel subunit alpha1 A; minus strand). Cytogenetic location: 19p13.13.
Variant type: single nucleotide variant.
Coding change: c.2173-271A>G on transcript NM_001127222.2 (MANE Select); 271 bases into the intron before coding-DNA position 2173, A replaced by G.
Molecular consequence: intron variant.
Genome position (GRCh38, 1-based): chr19:13,300,927, T>C on the plus strand (A>G on the coding strand, the complement: CACNA1A is on the minus strand). VCF-style: chr19-13300927-T-C. GRCh37 (hg19) VCF-style: chr19-13411741-T-C.
Other names: c.2176-271A>G (NM_001127221.2, NM_001174080.2); c.2185-271A>G (NM_000068.4, NM_023035.3).
Identifiers: ClinVar variation 669568 (VCV000669568.1), dbSNP rs77219463, ClinGen allele CA305507235.